The following is an entry in ClinVar:

NM_206926.2(SELENON):c.1375G>C (p.Val459Leu)

Gene: SELENON (selenoprotein N; plus strand). Cytogenetic location: 1p36.11.
Variant type: single nucleotide variant.
Coding change: c.1375G>C on transcript NM_206926.2 (MANE Select); coding-DNA position 1375, G replaced by C.
Protein change: p.Val459Leu; replaces valine 459 with leucine.
Molecular consequence: missense variant.
Genome position (GRCh38, 1-based): chr1:25,813,970, G>C. VCF-style: chr1-25813970-G-C. GRCh37 (hg19) VCF-style: chr1-26140461-G-C.
Other names: c.1477G>C, p.Val493Leu (NM_020451.3); short protein forms V459L, V493L.
Identifiers: ClinVar variation 855012 (VCV000855012.1), dbSNP rs1465319326, ClinGen allele CA339119400.
Genomic context (GRCh38, chr1:25,813,970, plus strand): 5'-CTGGAAAGTTCGCCCATCCTCACCCTGCTCAACGAGAGCTTCATCAGCACCTGGTCCCTG[G>C]TGAAGGAGCTGGAGGAACTGCAGGTGAGCGGGCAGGTGGCAGGAACAGGAGCGTCCGGAA-3'
Protein context (NP_996809.1, residues 449-469): NESFISTWSL[Val459Leu]KELEELQNNQ

ClinVar aggregate classification (germline): Uncertain significance (1 of 4 stars; one submission).

Conditions:
Eichsfeld type congenital muscular dystrophy (CMYO3). Also called: MYOPATHY, SEPN1-RELATED; SELENON-related myopathy; Congenital myopathy 3 with rigid spine; Rigid spine muscular dystrophy 1. Identifiers: MedGen C0410180, MONDO:0100100, OMIM 602771.

Submission:

Labcorp Genetics (formerly Invitae), Labcorp
Classification: Uncertain significance for Eichsfeld type congenital muscular dystrophy. Last evaluated: 2019-12-26. Review status: criteria provided, single submitter. Criteria: Invitae Variant Classification Sherloc (09022015). Collection method: clinical testing. Allele origin: germline.
Comment: This sequence change replaces valine with leucine at codon 493 of the SELENON protein (p.Val493Leu). The valine residue is moderately conserved and there is a small physicochemical difference between valine and leucine. This variant is not present in population databases (ExAC no frequency). This variant has not been reported in the literature in individuals with SELENON-related conditions. Algorithms developed to predict the effect of missense changes on protein structure and function are either unavailable or do not agree on the potential impact of this missense change (SIFT: "Deleterious"; PolyPhen-2: "Probably Damaging"; Align-GVGD: "Class C0"). In summary, the available evidence is currently insufficient to determine the role of this variant in disease. Therefore, it has been classified as a Variant of Uncertain Significance.